The following is an entry in ClinVar:

ClinVar aggregate classification (germline): Uncertain significance (1 of 4 stars; one submission).

gnomAD v4.1: 1 of 1,611,902 alleles (0.000062%); highest among the groups gnomAD compares: Non-Finnish European, 0.000085%; no homozygotes.

Submission:

GeneDx
Classification: Uncertain significance. Last evaluated: 2026-03-31. Review status: criteria provided, single submitter. Criteria: GeneDx Variant Classification Process June 2021. Collection method: clinical testing. Allele origin: germline.
Comment: Not observed at significant frequency in large population cohorts (gnomAD); In silico analysis supports that this missense variant has a deleterious effect on protein structure/function; Has not been previously published as pathogenic or benign to our knowledge; This substitution is predicted to be within the cytoplasmic loop between the second and third homologous domains

NM_001165963.4(SCN1A):c.3570G>C (p.Lys1190Asn)

Genes: SCN1A (sodium voltage-gated channel alpha subunit 1; minus strand), LOC102724058 (uncharacterized LOC102724058; plus strand). Cytogenetic location: 2q24.3.
Variant type: single nucleotide variant.
Coding change: c.3570G>C on transcript NM_001165963.4 (MANE Select); coding-DNA position 3570, G replaced by C.
Protein change: p.Lys1190Asn; replaces lysine 1190 with asparagine.
Molecular consequence: missense variant. On other transcripts: non-coding transcript variant (1).
Genome position (GRCh38, 1-based): chr2:166,013,879, C>G on the plus strand (G>C on the coding strand, the complement: SCN1A is on the minus strand). VCF-style: chr2-166013879-C-G. GRCh37 (hg19) VCF-style: chr2-166870389-C-G.
Other names: c.3486G>C, p.Lys1162Asn (NM_001165964.3, NM_001353957.2, NM_001353958.2); c.3570G>C, p.Lys1190Asn (NM_001202435.3, NM_001353948.2); c.3537G>C, p.Lys1179Asn (NM_001353949.2, NM_001353950.2, NM_001353951.2 and 2 more transcripts); c.3534G>C, p.Lys1178Asn (NM_001353954.2, NM_001353955.2); c.3483G>C, p.Lys1161Asn (NM_001353960.2); c.1128G>C, p.Lys376Asn (NM_001353961.2); short protein forms K1161N, K1162N, K1178N, K1179N, K1190N, K376N.
Identifiers: ClinVar variation 5018057 (VCV005018057.1).
Genomic context (GRCh38, chr2:166,013,879, plus strand): 5'-CGTCCTTCTCAGGTTCCACCATTGTTTTCCTCTGCCTTCTTCCACATTGATTTGACAACA[C>G]TTGAATCTTTGTACACAGCCTGCAGAAAGTGTTGAAATAAAAGTAGATAAAGTGTCTCTG-3'
Protein context (NP_001159435.1, residues 1180-1200): CFTEGCVQRF[Lys1190Asn]CCQINVEEGR